The following is an entry in ClinVar:

NM_006031.6(PCNT):c.5905C>T (p.Arg1969Cys)

Gene: PCNT (pericentrin; plus strand). Cytogenetic location: 21q22.3.
Variant type: single nucleotide variant.
Coding change: c.5905C>T on transcript NM_006031.6 (MANE Select); coding-DNA position 5905, C replaced by T.
Protein change: p.Arg1969Cys; replaces arginine 1969 with cysteine.
Molecular consequence: missense variant.
Genome position (GRCh38, 1-based): chr21:46,411,978, C>T. VCF-style: chr21-46411978-C-T. GRCh37 (hg19) VCF-style: chr21-47831892-C-T.
Other names: p.Arg1969cys; c.5551C>T, p.Arg1851Cys (NM_001315529.2); c.5905C>T (NM_006031.5); short protein forms R1851C, R1969C.
Identifiers: ClinVar variation 2504589 (VCV002504589.3), dbSNP rs759067437, ClinGen allele CA10080119.

ClinVar aggregate classification (germline): Uncertain significance. Review status: criteria provided, single submitter (1 of 4 stars). 2 submissions from 2 submitters: Uncertain significance (1). 1 of the submissions does not count toward it. Last evaluated 2023-06-07.

Conditions:
PCNT-related disorder. Also called: PCNT-related condition.
Microcephalic osteodysplastic primordial dwarfism type II (MOPD2). Also called: Microcephalic osteodysplastic primordial dwarfism with tooth abnormalities; MOPD II; OSTEODYSPLASTIC PRIMORDIAL DWARFISM, TYPE II. Identifiers: Orphanet 2637, MedGen C0432246, MONDO:0008872, OMIM 210720.

Allele frequency attached by ClinVar (database versions not stated): ExAC 0.00001; gnomAD 0.00001; gnomAD exomes 0.00001; TOPMed 0.00003.
gnomAD v4.1: 12 of 1,603,170 alleles (0.00075%); highest among the groups gnomAD compares: Admixed American, 0.005%; no homozygotes.

Submissions (2):

Foundation for Research in Genetics and Endocrinology, FRIGE's Institute of Human Genetics
Classification: Uncertain significance for Microcephalic osteodysplastic primordial dwarfism type II. Last evaluated: 2023-06-07. Review status: criteria provided, single submitter. Criteria: ACMG Guidelines, 2015. Collection method: clinical testing. Allele origin: germline. Inheritance: Autosomal recessive inheritance. Affected: yes. Observed: 1 homozygote.
Comment: A homozygous missense variant in exon 28 of the PCNT gene that results in the amino acid substitution of Cysteine for Arginine at codon 1969 (p.Arg1969Cys) was detected. This variant has not been reported in the 1000 genomes databases and has a minor allele frequency of 0.0007%, 0.002% and 0.003% in gnomAD (v3.1), gnomdAD (v2.1) and topmed databases respectively. The in silico predictions of the variant are benign by PolyPhen-2 (HumDiv) and MutationTaster2. The reference codon is conserved across mammals . In summary, the variant meets our criteria to be classified as a variant of uncertain significance.

PreventionGenetics, part of Exact Sciences
Classification: Uncertain significance for PCNT-related condition. Last evaluated: 2024-03-13. Review status: no assertion criteria provided. Collection method: clinical testing. Allele origin: germline. Not counted in ClinVar's aggregate classification.
Comment: The PCNT c.5905C>T variant is predicted to result in the amino acid substitution p.Arg1969Cys. To our knowledge, this variant has not been reported in the literature. This variant is reported in 0.0088% of alleles in individuals of Latino descent in gnomAD. At this time, the clinical significance of this variant is uncertain due to the absence of conclusive functional and genetic evidence.